The following is an entry in ClinVar:

ClinVar aggregate classification (germline): Likely benign. Review status: criteria provided, multiple submitters, no conflicts (2 of 4 stars). 2 submissions from 2 submitters: Likely benign (2). Last evaluated 2025-03-03.

Conditions:
Landau-Kleffner syndrome (FESD). Also called: EPILEPSY, FOCAL, WITH SPEECH DISORDER AND WITH OR WITHOUT MENTAL RETARDATION; APHASIA, ACQUIRED, WITH EPILEPSY. Identifiers: Orphanet 1945, Orphanet 725, Orphanet 98818, MedGen C0282512, MONDO:0009509, OMIM 245570.

Allele frequency attached by ClinVar (database versions not stated): ESP Exome Variant Server 0.00008; gnomAD 0.00026 and 0.00023; ExAC 0.00029; gnomAD exomes 0.00010 and 0.00015; TOPMed 0.00011.
gnomAD v4.1: 181 of 1,609,506 alleles (0.011%); highest among the groups gnomAD compares: African/African-American, 0.029%; no homozygotes.

Submissions (2):

Labcorp Genetics (formerly Invitae), Labcorp
Classification: Likely benign for Landau-Kleffner syndrome. Last evaluated: 2025-03-03. Review status: criteria provided, single submitter. Criteria: Invitae Variant Classification Sherloc (09022015). Collection method: clinical testing. Allele origin: germline.

Illumina Laboratory Services, Illumina
Classification: Likely benign for Landau-Kleffner syndrome. Last evaluated: 2018-01-13. Review status: criteria provided, single submitter. Criteria: ICSL Variant Classification Criteria 13 December 2019. Collection method: clinical testing. Allele origin: germline.
Comment: This variant was observed in the ICSL laboratory as part of a predisposition screen in an ostensibly healthy population. It had not been previously curated by ICSL or reported in the Human Gene Mutation Database (HGMD: prior to June 1st, 2018), and was therefore a candidate for classification through an automated scoring system. Utilizing variant allele frequency, disease prevalence and penetrance estimates, and inheritance mode, an automated score was calculated to assess if this variant is too frequent to cause the disease. Based on the score and internal cut-off values, a variant classified as likely benign is not then subjected to further curation. The score for this variant resulted in a classification of likely benign for this disease.

NM_001134407.3(GRIN2A):c.83A>C (p.Glu28Ala)

Gene: GRIN2A (glutamate ionotropic receptor NMDA type subunit 2A; minus strand). Cytogenetic location: 16p13.2.
Variant type: single nucleotide variant.
Coding change: c.83A>C on transcript NM_001134407.3 (MANE Select); coding-DNA position 83, A replaced by C.
Protein change: p.Glu28Ala; replaces glutamic acid 28 with alanine.
Molecular consequence: missense variant.
Genome position (GRCh38, 1-based): chr16:10,180,329, T>G on the plus strand (A>C on the coding strand, the complement: GRIN2A is on the minus strand). VCF-style: chr16-10180329-T-G. GRCh37 (hg19) VCF-style: chr16-10274186-T-G.
Other names: c.83A>C, p.Glu28Ala (NM_000833.5, NM_001134408.2); short protein forms E28A.
Identifiers: ClinVar variation 317669 (VCV000317669.20), dbSNP rs146839931, ClinGen allele CA7897046.